The following is an entry in ClinVar:

NM_003482.4(KMT2D):c.5666A>G (p.Lys1889Arg)

Gene: KMT2D (lysine methyltransferase 2D; minus strand). Cytogenetic location: 12q13.12.
Variant type: single nucleotide variant.
Coding change: c.5666A>G on transcript NM_003482.4 (MANE Select); coding-DNA position 5666, A replaced by G.
Protein change: p.Lys1889Arg; replaces lysine 1889 with arginine.
Molecular consequence: missense variant.
Genome position (GRCh38, 1-based): chr12:49,042,857, T>C on the plus strand (A>G on the coding strand, the complement: KMT2D is on the minus strand). VCF-style: chr12-49042857-T-C. GRCh37 (hg19) VCF-style: chr12-49436640-T-C.
Other names: short protein forms K1889R.
Identifiers: ClinVar variation 1684056 (VCV001684056.2), dbSNP rs2120560761, ClinGen allele CA384629327.

ClinVar aggregate classification (germline): Uncertain significance (1 of 4 stars; one submission).

Submission:

GeneDx
Classification: Uncertain significance. Last evaluated: 2022-05-12. Review status: criteria provided, single submitter. Criteria: GeneDx Variant Classification Process June 2021. Collection method: clinical testing. Allele origin: germline. Affected: yes.
Comment: Not observed at significant frequency in large population cohorts (gnomAD); In silico analysis supports that this missense variant does not alter protein structure/function; Has not been previously published as pathogenic or benign to our knowledge